The following is an entry in ClinVar:

ClinVar aggregate classification (germline): Uncertain significance. Review status: criteria provided, multiple submitters, no conflicts (2 of 4 stars). 2 submissions from 2 submitters: Uncertain significance (2). Last evaluated 2024-06-18.

Allele frequency attached by ClinVar (database versions not stated): ExAC 0.00002; gnomAD exomes 0.00002 and 0.00003; TOPMed 0.00003; gnomAD 0.00005.
gnomAD v4.1: 54 of 1,614,018 alleles (0.0033%); highest among the groups gnomAD compares: Non-Finnish European, 0.0044%; no homozygotes.

Submissions (2):

Women's Health and Genetics/Laboratory Corporation of America, LabCorp
Classification: Uncertain significance. Last evaluated: 2024-06-18. Review status: criteria provided, single submitter. Criteria: LabCorp Variant Classification Summary - May 2015. Collection method: clinical testing. Allele origin: germline.
Comment: Variant summary: ABCA1 c.2914C>T (p.Arg972Trp) results in a non-conservative amino acid change located in the ABC transporter-like, ATP-binding domain (IPR003439) of the encoded protein sequence. Five of five in-silico tools predict a damaging effect of the variant on protein function. The variant allele was found at a frequency of 2e-05 in 251396 control chromosomes (gnomAD). The available data on variant occurrences in the general population are insufficient to allow any conclusion about variant significance. c.2914C>T has been reported in the literature in a study of patients with dyslipidemia and metabolic disorders without clinical information (Dron_2020). This report does not provide unequivocal conclusions about association of the variant with Tangier Disease. To our knowledge, no experimental evidence demonstrating an impact on protein function has been reported. The following publication has been ascertained in the context of this evaluation (PMID: 32041611). ClinVar contains an entry for this variant (Variation ID: 1426328). Based on the evidence outlined above, the variant was classified as uncertain significance.

Labcorp Genetics (formerly Invitae), Labcorp
Classification: Uncertain significance. Last evaluated: 2021-05-08. Review status: criteria provided, single submitter. Criteria: Invitae Variant Classification Sherloc (09022015). Collection method: clinical testing. Allele origin: germline.
Comment: This variant is present in population databases (rs775581315, ExAC 0.003%). This sequence change replaces arginine with tryptophan at codon 972 of the ABCA1 protein (p.Arg972Trp). The arginine residue is highly conserved and there is a moderate physicochemical difference between arginine and tryptophan. This variant has not been reported in the literature in individuals with ABCA1-related conditions. In summary, the available evidence is currently insufficient to determine the role of this variant in disease. Therefore, it has been classified as a Variant of Uncertain Significance. Advanced modeling of protein sequence and biophysical properties (such as structural, functional, and spatial information, amino acid conservation, physicochemical variation, residue mobility, and thermodynamic stability) performed at Invitae indicates that this missense variant is expected to disrupt ABCA1 protein function.

Literature cited by the submitters: PubMed 32041611 (cited by Women's Health and Genetics/Laboratory Corporation of America, LabCorp).

NM_005502.4(ABCA1):c.2914C>T (p.Arg972Trp)

Gene: ABCA1 (ATP binding cassette subfamily A member 1; minus strand). Cytogenetic location: 9q31.1.
Variant type: single nucleotide variant.
Coding change: c.2914C>T on transcript NM_005502.4 (MANE Select); coding-DNA position 2914, C replaced by T.
Protein change: p.Arg972Trp; replaces arginine 972 with tryptophan.
Molecular consequence: missense variant.
Genome position (GRCh38, 1-based): chr9:104,821,421, G>A on the plus strand (C>T on the coding strand, the complement: ABCA1 is on the minus strand). VCF-style: chr9-104821421-G-A. GRCh37 (hg19) VCF-style: chr9-107583702-G-A.
Other names: short protein forms R972W.
Identifiers: ClinVar variation 1426328 (VCV001426328.9), dbSNP rs775581315, ClinGen allele CA5168612.